The following is an entry in ClinVar:

NM_002470.4(MYH3):c.3619C>T (p.Gln1207Ter)

Gene: MYH3 (myosin heavy chain 3; minus strand). Cytogenetic location: 17p13.1.
Variant type: single nucleotide variant.
Coding change: c.3619C>T on transcript NM_002470.4 (MANE Select); coding-DNA position 3619, C replaced by T.
Protein change: p.Gln1207Ter; replaces glutamine 1207 with a stop codon.
Molecular consequence: nonsense.
Genome position (GRCh38, 1-based): chr17:10,638,153, G>A on the plus strand (C>T on the coding strand, the complement: MYH3 is on the minus strand). VCF-style: chr17-10638153-G-A. GRCh37 (hg19) VCF-style: chr17-10541470-G-A.
Other names: short protein forms Q1207*.
Identifiers: ClinVar variation 1945413 (VCV001945413.5), dbSNP rs2508592574, ClinGen allele CA398151028.

ClinVar aggregate classification (germline): Pathogenic (1 of 4 stars; one submission).

Submission:

Labcorp Genetics (formerly Invitae), Labcorp
Classification: Pathogenic. Last evaluated: 2022-03-29. Review status: criteria provided, single submitter. Criteria: Invitae Variant Classification Sherloc (09022015). Collection method: clinical testing. Allele origin: germline.
Comment: This sequence change creates a premature translational stop signal (p.Gln1207*) in the MYH3 gene. It is expected to result in an absent or disrupted protein product. Loss-of-function variants in MYH3 are known to be pathogenic (PMID: 29805041, 30008475). This variant is not present in population databases (gnomAD no frequency). This variant has not been reported in the literature in individuals affected with MYH3-related conditions. For these reasons, this variant has been classified as Pathogenic.

Literature cited by the submitters: PubMed 29805041; PubMed 30008475.